The following is an entry in ClinVar:

ClinVar aggregate classification (germline): Uncertain significance (1 of 4 stars; one submission).

Submission:

GeneDx
Classification: Uncertain significance. Last evaluated: 2024-10-31. Review status: criteria provided, single submitter. Criteria: GeneDx Variant Classification Process June 2021. Collection method: clinical testing. Allele origin: germline. Affected: yes.
Comment: Not observed at significant frequency in large population cohorts (gnomAD); In silico analysis indicates that this missense variant does not alter protein structure/function; Has not been previously published as pathogenic or benign to our knowledge

NM_014847.4(UBAP2L):c.1055C>T (p.Ala352Val)

Gene: UBAP2L (ubiquitin associated protein 2 like; plus strand). Cytogenetic location: 1q21.3.
Variant type: single nucleotide variant.
Coding change: c.1055C>T on transcript NM_014847.4 (MANE Select); coding-DNA position 1055, C replaced by T.
Protein change: p.Ala352Val; replaces alanine 352 with valine.
Molecular consequence: missense variant.
Genome position (GRCh38, 1-based): chr1:154,249,279, C>T. VCF-style: chr1-154249279-C-T. GRCh37 (hg19) VCF-style: chr1-154221755-C-T.
Other names: c.1034C>T, p.Ala345Val (NM_001287815.1); c.1088C>T, p.Ala363Val (NM_001287816.1, NM_001330730.1, NM_001375612.1 and 2 more transcripts); c.1055C>T, p.Ala352Val (NM_001375614.1, NM_001375615.1, NM_001375616.1 and 14 more transcripts); short protein forms A345V, A352V, A363V.
Identifiers: ClinVar variation 3897327 (VCV003897327.1).